The following is an entry in ClinVar:

ClinVar aggregate classification (germline): Uncertain significance (1 of 4 stars; one submission).

Submission:

GeneDx
Classification: Uncertain significance. Last evaluated: 2026-04-08. Review status: criteria provided, single submitter. Criteria: GeneDx Variant Classification Process June 2021. Collection method: clinical testing. Allele origin: germline.
Comment: Not observed at significant frequency in large population cohorts (gnomAD); In silico analysis suggests that this missense variant does not alter protein structure/function; Has not been previously published as pathogenic or benign to our knowledge

NM_006950.3(SYN1):c.414A>C (p.Glu138Asp)

Gene: SYN1 (synapsin I; minus strand). Cytogenetic location: Xp11.23.
Variant type: single nucleotide variant.
Coding change: c.414A>C on transcript NM_006950.3 (MANE Select); coding-DNA position 414, A replaced by C.
Protein change: p.Glu138Asp; replaces glutamic acid 138 with aspartic acid.
Molecular consequence: missense variant.
Genome position (GRCh38, 1-based): chrX:47,607,162, T>G on the plus strand (A>C on the coding strand, the complement: SYN1 is on the minus strand). VCF-style: chrX-47607162-T-G. GRCh37 (hg19) VCF-style: chrX-47466561-T-G.
Other names: c.414A>C, p.Glu138Asp (NM_133499.2); short protein forms E138D.
Identifiers: ClinVar variation 5018331 (VCV005018331.1).